The following is an entry in ClinVar:

ClinVar aggregate classification (germline): Conflicting classifications of pathogenicity. Review status: criteria provided, conflicting classifications (1 of 4 stars). 8 submissions from 5 submitters: Uncertain significance (5); Likely benign (2). 1 of the submissions does not count toward it. Last evaluated 2023-02-08.

Conditions:
Familial Mediterranean fever (FMF). Also called: POLYSEROSITIS, FAMILIAL PAROXYSMAL; POLYSEROSITIS, RECURRENT; Periodic peritonitis; Benign paroxysmal peritonitis. Identifiers: Orphanet 342, MedGen C0031069, MONDO:0018088, OMIM 249100. Disease mechanism: gain of function.
Familial Mediterranean fever, autosomal dominant. Also called: FMF, AUTOSOMAL DOMINANT; Dominant Familial Mediterranean Fever. Identifiers: Orphanet 342, MedGen C1851347, MONDO:0007601, OMIM 134610.
Acute febrile neutrophilic dermatosis (AFND). Also called: Sweet Syndrome; Gomm Button disease. Identifiers: Orphanet 3243, MedGen C0085077, MONDO:0011959, OMIM 608068.

Submissions (8):

Genome-Nilou Lab
Classification: Uncertain significance for Familial Mediterranean fever. Last evaluated: 2023-02-08. Review status: criteria provided, single submitter. Criteria: ACMG Guidelines, 2015. Collection method: clinical testing. Allele origin: germline.

Genome-Nilou Lab
Classification: Likely benign for Familial Mediterranean fever, autosomal dominant. Last evaluated: 2023-02-08. Review status: criteria provided, single submitter. Criteria: ACMG Guidelines, 2015. Collection method: clinical testing. Allele origin: germline.

Genome-Nilou Lab
Classification: Likely benign for Acute febrile neutrophilic dermatosis. Last evaluated: 2023-02-08. Review status: criteria provided, single submitter. Criteria: ACMG Guidelines, 2015. Collection method: clinical testing. Allele origin: germline.

Blueprint Genetics
Classification: Uncertain significance. Last evaluated: 2022-02-02. Review status: criteria provided, single submitter. Criteria: ACMG Guidelines, 2015. Collection method: clinical testing. Allele origin: germline.

Center for Genomics, Ann and Robert H. Lurie Children's Hospital of Chicago
Classification: Uncertain significance for Acute febrile neutrophilic dermatosis; Familial Mediterranean fever; Familial Mediterranean fever, autosomal dominant. Last evaluated: 2021-03-30. Review status: criteria provided, single submitter. Criteria: ACMG Guidelines, 2015. Collection method: clinical testing. Allele origin: germline.
Comment: MEFV NM_000243 exon 10 p.Ser675Asn (c.2024G>A): This variant has been reported in the literature in 1 individual with a suspicion of Familial Mediterranean Fever (FMF); of note, this individual was heterozygous and an additional disease causing variant was not identified (Dode 2000 PMID:10842288). This variant is not present in large control databases. This variant is present in ClinVar (Variation ID:97478). This variant amino acid Asparagine (Asn) is present in >20 species and is not well conserved among evolutionarily distant species; this suggests that this variant may not impact the protein. Additional computational prediction tools do not suggest an impact. In summary, data on this variant is insufficient for disease classification. Therefore, the clinical significance of this variant is uncertain.

Mendelics
Classification: Uncertain significance for Familial Mediterranean fever. Last evaluated: 2019-05-28. Review status: criteria provided, single submitter. Criteria: Mendelics Assertion Criteria 2017. Collection method: clinical testing. Allele origin: unknown.

Center for Genomics, Ann and Robert H. Lurie Children's Hospital of Chicago
Classification: Uncertain significance for Familial Mediterranean fever, autosomal dominant; Familial Mediterranean fever. Last evaluated: 2017-12-05. Review status: criteria provided, single submitter. Criteria: ACMG Guidelines, 2015. Collection method: clinical testing. Allele origin: germline.
Comment: MEFV NM_000243.2 exon 10 p.Ser675Asn (c.2024G>A): This variant has been reported in the literature in 1 individual with a suspicion of Familial Mediterranean Fever (FMF); of note, this individual was heterozygous and an additional disease causing variant was not identified (Dode 2000 PMID:10842288). This variant is not present in large control databases. This variant is present in ClinVar (Variation ID:97478). This variant amino acid Asparagine (Asn) is present in >20 species and is not well conserved among evolutionarily distant species; this suggests that this variant may not impact the protein. Additional computational prediction tools do not suggest an impact. In summary, data on this variant is insufficient for disease classification. Therefore, the clinical significance of this variant is uncertain.

Unité médicale des maladies autoinflammatoires, CHRU Montpellier
No classification provided. Condition: Familial Mediterranean fever. Review status: no classification provided. Collection method: not provided. Allele origin: unknown. Not counted in ClinVar's aggregate classification.

NM_000243.3(MEFV):c.2024G>A (p.Ser675Asn)

Genes: MEFV (MEFV innate immunity regulator, pyrin; minus strand), LOC126862264 (CDK7 strongly-dependent group 2 enhancer GRCh37_chr16:3293322-3294521; plus strand). Cytogenetic location: 16p13.3.
Variant type: single nucleotide variant.
Coding change: c.2024G>A on transcript NM_000243.3 (MANE Select); coding-DNA position 2024, G replaced by A.
Protein change: p.Ser675Asn; replaces serine 675 with asparagine.
Molecular consequence: missense variant. On other transcripts: 3 prime UTR variant (1).
Genome position (GRCh38, 1-based): chr16:3,243,463, C>T on the plus strand (G>A on the coding strand, the complement: MEFV is on the minus strand). VCF-style: chr16-3243463-C-T. GRCh37 (hg19) VCF-style: chr16-3293463-C-T.
Other names: c.*228G>A (NM_001198536.2); short protein forms S675N.
Identifiers: ClinVar variation 97478 (VCV000097478.6), dbSNP rs104895087, ClinGen allele CA280485.